The following is an entry in ClinVar:

ClinVar aggregate classification (germline): Uncertain significance. Review status: criteria provided, multiple submitters, no conflicts (2 of 4 stars). 2 submissions from 2 submitters: Uncertain significance (2). Last evaluated 2025-07-08.

Conditions:
Inborn genetic diseases. Identifiers: MedGen C0950123, MeSH D030342.
Combined immunodeficiency due to ZAP70 deficiency (IMD48). Also called: Immunodeficiency 48; ZAP70 Deficiency. Identifiers: Orphanet 911, MedGen C2931299, MONDO:0010023, OMIM 269840.

Allele frequency attached by ClinVar (database versions not stated): TOPMed 0.00002; gnomAD exomes 0.00001 and 0.00002; gnomAD 0.00001; ExAC 0.00002.
gnomAD v4.1: 14 of 1,614,040 alleles (0.00087%); highest among the groups gnomAD compares: Admixed American, 0.015%; no homozygotes.

Submissions (2):

Ambry Genetics
Classification: Uncertain significance for Inborn genetic diseases. Last evaluated: 2025-07-08. Review status: criteria provided, single submitter. Criteria: Ambry Variant Classification Scheme 2023. Collection method: clinical testing. Allele origin: germline.

Labcorp Genetics (formerly Invitae), Labcorp
Classification: Uncertain significance for Combined immunodeficiency due to ZAP70 deficiency. Last evaluated: 2022-07-09. Review status: criteria provided, single submitter. Criteria: Invitae Variant Classification Sherloc (09022015). Collection method: clinical testing. Allele origin: germline.
Comment: This sequence change replaces proline, which is neutral and non-polar, with leucine, which is neutral and non-polar, at codon 224 of the ZAP70 protein (p.Pro224Leu). This variant is present in population databases (rs201752492, gnomAD 0.02%). This variant has not been reported in the literature in individuals affected with ZAP70-related conditions. ClinVar contains an entry for this variant (Variation ID: 1430652). Algorithms developed to predict the effect of missense changes on protein structure and function are either unavailable or do not agree on the potential impact of this missense change (SIFT: "Not Available"; PolyPhen-2: "Probably Damaging"; Align-GVGD: "Not Available"). In summary, the available evidence is currently insufficient to determine the role of this variant in disease. Therefore, it has been classified as a Variant of Uncertain Significance.

NM_001079.4(ZAP70):c.671C>T (p.Pro224Leu)

Gene: ZAP70 (zeta chain of T cell receptor associated protein kinase 70; plus strand). Cytogenetic location: 2q11.2.
Variant type: single nucleotide variant.
Coding change: c.671C>T on transcript NM_001079.4 (MANE Select); coding-DNA position 671, C replaced by T.
Protein change: p.Pro224Leu; replaces proline 224 with leucine.
Molecular consequence: missense variant.
Genome position (GRCh38, 1-based): chr2:97,732,990, C>T. VCF-style: chr2-97732990-C-T. GRCh37 (hg19) VCF-style: chr2-98349453-C-T.
Other names: c.671C>T (NM_001079.3); c.671C>T, p.Pro224Leu (NM_001378594.1); short protein forms P224L.
Identifiers: ClinVar variation 1430652 (VCV001430652.4), dbSNP rs201752492, ClinGen allele CA1790166.
Genomic context (GRCh38, chr2:97,732,990, plus strand): 5'-ATGGGAAGACGGTGTACCACTACCTCATCAGCCAAGACAAGGCGGGCAAGTACTGCATTC[C>T]CGAGGGCACCAAGTTTGACACGCTCTGGCAGGTAGGCTGCCCGTGCAACTTGTTCTGGGA-3'
Protein context (NP_001070.2, residues 214-234): SQDKAGKYCI[Pro224Leu]EGTKFDTLWQ